The following is an entry in ClinVar:

ClinVar aggregate classification (germline): Uncertain significance (1 of 4 stars; one submission).

Conditions:
Hereditary cancer-predisposing syndrome. Also called: Neoplastic Syndromes, Hereditary; Tumor predisposition; Hereditary Cancer Syndrome; Hereditary neoplastic syndrome. Identifiers: Orphanet 140162, MedGen C0027672, MeSH D009386, MONDO:0015356.

Submission:

Ambry Genetics
Classification: Uncertain significance for Hereditary cancer-predisposing syndrome. Last evaluated: 2026-05-14. Review status: criteria provided, single submitter. Criteria: Ambry Variant Classification Scheme 2023. Collection method: clinical testing. Allele origin: germline.
Comment: The p.L422M variant (also known as c.1264C>A), located in coding exon 10 of the SDHA gene, results from a C to A substitution at nucleotide position 1264. The leucine at codon 422 is replaced by methionine, an amino acid with highly similar properties. This amino acid position is conserved. In addition, this alteration is predicted to be tolerated by in silico analysis. Based on the available evidence, the clinical significance of this variant remains unclear.

NM_004168.4(SDHA):c.1264C>A (p.Leu422Met)

Gene: SDHA (succinate dehydrogenase complex flavoprotein subunit A; plus strand). Cytogenetic location: 5p15.33.
Variant type: single nucleotide variant.
Coding change: c.1264C>A on transcript NM_004168.4 (MANE Select); coding-DNA position 1264, C replaced by A.
Protein change: p.Leu422Met; replaces leucine 422 with methionine.
Molecular consequence: missense variant.
Genome position (GRCh38, 1-based): chr5:236,431, C>A. VCF-style: chr5-236431-C-A. GRCh37 (hg19) VCF-style: chr5-236546-C-A.
Other names: c.1120C>A, p.Leu374Met (NM_001294332.2); c.1264C>A, p.Leu422Met (NM_001330758.2); short protein forms L374M, L422M.
Identifiers: ClinVar variation 4864228 (VCV004864228.1).